The following is an entry in ClinVar:

NM_138694.4(PKHD1):c.8108-1G>C

Gene: PKHD1 (PKHD1 ciliary IPT domain containing fibrocystin/polyductin; minus strand). Cytogenetic location: 6p12.2.
Variant type: single nucleotide variant.
Coding change: c.8108-1G>C on transcript NM_138694.4 (MANE Select); the canonical splice acceptor site of the intron before coding-DNA position 8108, G replaced by C.
Molecular consequence: splice acceptor variant.
Genome position (GRCh38, 1-based): chr6:51,836,470, C>G on the plus strand (G>C on the coding strand, the complement: PKHD1 is on the minus strand). VCF-style: chr6-51836470-C-G. GRCh37 (hg19) VCF-style: chr6-51701268-C-G.
Other names: c.8108-1G>C (NM_170724.3).
Identifiers: ClinVar variation 1330152 (VCV001330152.2), dbSNP rs2151550125, ClinGen allele CA364426244.

ClinVar aggregate classification (germline): Pathogenic (1 of 4 stars; one submission).

Conditions:
Hypoplastic aortic arch. Also called: Aortic arch hypoplasia. Identifiers: MedGen C0265881, HP:0012304.
Polycystic kidney disease. Also called: Polycystic kidney dysplasia; Kidney, Polycystic. Identifiers: MedGen C0022680, MeSH D007690, MONDO:0020642, HP:0000113.

Submission:

Centre of Medical Genetics, University Hospital Muenster
Classification: Pathogenic for Polycystic kidney disease; Hypoplastic aortic arch. Last evaluated: 2021-12-13. Review status: criteria provided, single submitter. Criteria: ACMG Guidelines, 2015. Collection method: clinical testing. Allele origin: germline. Affected: yes. Observed: 1 variant allele, 1 heterozygote.
Comment: ACMG categories: PVS1,PM2,PP3